The following is an entry in ClinVar:

ClinVar aggregate classification (germline): Benign/Likely benign. Review status: criteria provided, multiple submitters, no conflicts (2 of 4 stars). 3 submissions from 3 submitters: Benign (1); Likely benign (1). 1 of the submissions does not count toward it. Last evaluated 2025-11-08.

Conditions:
MLYCD-related disorder. Also called: MLYCD-related condition.
Deficiency of malonyl-CoA decarboxylase. Also called: Malonic aciduria; MCD deficiency. Identifiers: Orphanet 943, MedGen C0342793, MONDO:0009556, OMIM 248360.

Allele frequency attached by ClinVar (database versions not stated): gnomAD 0.00001 and 0.00007; TOPMed 0.00002; 1000 Genomes Project 0.00020; 1000 Genomes Project 30x 0.00047; gnomAD exomes 0.00056; ExAC 0.00158.
gnomAD v4.1: 232 of 1,516,124 alleles (0.015%); highest among the groups gnomAD compares: South Asian, 0.24%; 2 homozygotes.

Submissions (3):

Labcorp Genetics (formerly Invitae), Labcorp
Classification: Benign for Deficiency of malonyl-CoA decarboxylase. Last evaluated: 2025-11-08. Review status: criteria provided, single submitter. Criteria: Invitae Variant Classification Sherloc (09022015). Collection method: clinical testing. Allele origin: germline.

Blueprint Genetics
Classification: Likely benign. Last evaluated: 2024-10-23. Review status: criteria provided, single submitter. Criteria: ACMG Guidelines, 2015. Collection method: clinical testing. Allele origin: germline.

PreventionGenetics, part of Exact Sciences
Classification: Likely benign for MLYCD-related condition. Last evaluated: 2019-06-20. Review status: no assertion criteria provided. Collection method: clinical testing. Allele origin: germline. Not counted in ClinVar's aggregate classification.
Comment: This variant is classified as likely benign based on ACMG/AMP sequence variant interpretation guidelines (Richards et al. 2015 PMID: 25741868, with internal and published modifications).

NM_012213.3(MLYCD):c.267C>T (p.Gly89=)

Gene: MLYCD (malonyl-CoA decarboxylase; plus strand). Cytogenetic location: 16q23.3.
Variant type: single nucleotide variant.
Coding change: c.267C>T on transcript NM_012213.3 (MANE Select); coding-DNA position 267, C replaced by T.
Protein change: p.Gly89=; no amino-acid change (glycine 89 retained).
Molecular consequence: synonymous variant.
Genome position (GRCh38, 1-based): chr16:83,899,411, C>T. VCF-style: chr16-83899411-C-T. GRCh37 (hg19) VCF-style: chr16-83933016-C-T.
Identifiers: ClinVar variation 460444 (VCV000460444.11), dbSNP rs561775245, ClinGen allele CA8197191.